The following is an entry in ClinVar:

ClinVar aggregate classification (germline): Uncertain significance (1 of 4 stars; one submission).

Conditions:
Renal carnitine transport defect (CDSP). Also called: Carnitine transporter deficiency; Systemic primary carnitine deficiency disease; Primary carnitine deficiency; CARNITINE DEFICIENCY, SYSTEMIC, DUE TO DEFECT IN RENAL REABSORPTION OF CARNITINE; CARNITINE TRANSPORTER, PLASMA-MEMBRANE, DEFICIENCY OF; CARNITINE UPTAKE DEFECT. Identifiers: Orphanet 158, MedGen C0342788, MONDO:0008919, OMIM 212140.

Submission:

Labcorp Genetics (formerly Invitae), Labcorp
Classification: Uncertain significance for Renal carnitine transport defect. Last evaluated: 2021-08-24. Review status: criteria provided, single submitter. Criteria: Invitae Variant Classification Sherloc (09022015). Collection method: clinical testing. Allele origin: germline.
Comment: This sequence change replaces glutamic acid with aspartic acid at codon 13 of the SLC22A5 protein (p.Glu13Asp). The glutamic acid residue is moderately conserved and there is a small physicochemical difference between glutamic acid and aspartic acid. This variant is not present in population databases (ExAC no frequency). This variant has not been reported in the literature in individuals affected with SLC22A5-related conditions. Algorithms developed to predict the effect of missense changes on protein structure and function output the following: SIFT: "Tolerated"; PolyPhen-2: "Benign"; Align-GVGD: "Class C0". The aspartic acid amino acid residue is found in multiple mammalian species, which suggests that this missense change does not adversely affect protein function. In summary, the available evidence is currently insufficient to determine the role of this variant in disease. Therefore, it has been classified as a Variant of Uncertain Significance.

NM_003060.4(SLC22A5):c.39G>C (p.Glu13Asp)

Gene: SLC22A5 (solute carrier family 22 member 5; plus strand). Cytogenetic location: 5q31.1.
Variant type: single nucleotide variant.
Coding change: c.39G>C on transcript NM_003060.4 (MANE Select); coding-DNA position 39, G replaced by C.
Protein change: p.Glu13Asp; replaces glutamic acid 13 with aspartic acid.
Molecular consequence: missense variant.
Genome position (GRCh38, 1-based): chr5:132,370,011, G>C. VCF-style: chr5-132370011-G-C. GRCh37 (hg19) VCF-style: chr5-131705703-G-C.
Other names: c.39G>C, p.Glu13Asp (NM_001308122.2); short protein forms E13D.
Identifiers: ClinVar variation 579814 (VCV000579814.5), dbSNP rs1561560357, ClinGen allele CA360802254.
Genomic context (GRCh38, chr5:132,370,011, plus strand): 5'-TCTGTGGGCCTCTGAGGGCGGCATGCGGGACTACGACGAGGTGACCGCCTTCCTGGGCGA[G>C]TGGGGGCCCTTCCAGCGCCTCATCTTCTTCCTGCTCAGCGCCAGCATCATCCCCAATGGC-3'
Protein context (NP_003051.1, residues 3-23): DYDEVTAFLG[Glu13Asp]WGPFQRLIFF